The following is an entry in ClinVar:

NM_001330078.2(NRXN1):c.208T>C (p.Phe70Leu)

Gene: NRXN1 (neurexin 1; minus strand). Cytogenetic location: 2p16.3.
Variant type: single nucleotide variant.
Coding change: c.208T>C on transcript NM_001330078.2 (MANE Select); coding-DNA position 208, T replaced by C.
Protein change: p.Phe70Leu; replaces phenylalanine 70 with leucine.
Molecular consequence: missense variant.
Genome position (GRCh38, 1-based): chr2:51,028,066, A>G on the plus strand (T>C on the coding strand, the complement: NRXN1 is on the minus strand). VCF-style: chr2-51028066-A-G. GRCh37 (hg19) VCF-style: chr2-51255204-A-G.
Other names: p.F70L:TTC>CTC; c.208T>C, p.Phe70Leu (NM_001330086.2, NM_001330087.2, NM_001330088.2 and 15 more transcripts); short protein forms F70L.
Identifiers: ClinVar variation 206230 (VCV000206230.10), dbSNP rs796052773, ClinGen allele CA316109.
Genomic context (GRCh38, chr2:51,028,066, plus strand): 5'-GCAGGCGGCCGCCGCGCGTCAGAATCAGCTCCAGGAAGTCGCAGAAGCCCTCGTCGTCGA[A>G]GTAGAGCACGAGGCCGCGGGCGCTGCGAGTCTTGAGCTGGAAGCTCATCTCGCTCTCGCA-3'
Protein context (NP_001317007.1, residues 60-80): TRSARGLVLY[Phe70Leu]DDEGFCDFLE

ClinVar aggregate classification (germline): Uncertain significance. Review status: criteria provided, multiple submitters, no conflicts (2 of 4 stars). 3 submissions from 3 submitters: Uncertain significance (3). Last evaluated 2025-09-28.

Conditions:
Inborn genetic diseases. Identifiers: MedGen C0950123, MeSH D030342.
Pitt-Hopkins-like syndrome 2 (PTHSL2). Identifiers: Orphanet 221150, Orphanet 600663, MedGen C3280479, MONDO:0013690, OMIM 614325.

Submissions (3):

Ambry Genetics
Classification: Uncertain significance for Inborn genetic diseases. Last evaluated: 2025-09-28. Review status: criteria provided, single submitter. Criteria: Ambry Variant Classification Scheme 2023. Collection method: clinical testing. Allele origin: germline.

Labcorp Genetics (formerly Invitae), Labcorp
Classification: Uncertain significance for Pitt-Hopkins-like syndrome 2. Last evaluated: 2022-08-12. Review status: criteria provided, single submitter. Criteria: Invitae Variant Classification Sherloc (09022015). Collection method: clinical testing. Allele origin: germline.
Comment: ClinVar contains an entry for this variant (Variation ID: 206230). This variant has not been reported in the literature in individuals affected with NRXN1-related conditions. This variant is not present in population databases (gnomAD no frequency). This sequence change replaces phenylalanine, which is neutral and non-polar, with leucine, which is neutral and non-polar, at codon 70 of the NRXN1 protein (p.Phe70Leu). In summary, the available evidence is currently insufficient to determine the role of this variant in disease. Therefore, it has been classified as a Variant of Uncertain Significance. Algorithms developed to predict the effect of missense changes on protein structure and function (SIFT, PolyPhen-2, Align-GVGD) all suggest that this variant is likely to be tolerated.

GeneDx
Classification: Uncertain significance. Last evaluated: 2012-08-31. Review status: criteria provided, single submitter. Criteria: GeneDx Variant Classification (06012015). Collection method: clinical testing. Allele origin: germline. Affected: yes.
Comment: The Phe70Leu missense change has not been published as a mutation, nor has it been reported as a benign polymorphism to our knowledge. The NHLBI ESP Exome Variant Project has not identified Phe70Leu in approximately 6,000 individuals of European or African American ethnicity, indicating that it is not a common benign variant in these populations. The amino acid substitution is conservative, as both Phenylalanine and Leucine are uncharged, non-polar amino acids, and it alters a position in the protein that is not conserved. Additionally, multiple in silico algorithms predict it is likely benign. Therefore, the clinical and molecular information available at this time suggests that this variant is likely non-pathogenic; however, the possibility that it is a disease-associated mutation cannot be completely excluded. The variant is found in EPILEPSY panel(s).